The following is an entry in ClinVar:

ClinVar aggregate classification (germline): Uncertain significance. Review status: criteria provided, multiple submitters, no conflicts (2 of 4 stars). 2 submissions from 2 submitters: Uncertain significance (2). Last evaluated 2023-10-27.

Conditions:
Gastrointestinal stromal tumor. Also called: Gastrointestinal stroma tumor; Gastrointestinal stromal tumor, somatic. Identifiers: Orphanet 44890, MedGen C0238198, MeSH D046152, MONDO:0011719, OMIM 606764, HP:0100723.
Hereditary cancer-predisposing syndrome. Also called: Tumor predisposition; Hereditary Cancer Syndrome; Hereditary neoplastic syndrome; Neoplastic Syndromes, Hereditary. Identifiers: Orphanet 140162, MedGen C0027672, MeSH D009386, MONDO:0015356.

Allele frequency attached by ClinVar (database versions not stated): gnomAD exomes 0.00001.
gnomAD v4.1: 6 of 1,613,208 alleles (0.00037%); highest among the groups gnomAD compares: Non-Finnish European, 0.00051%; no homozygotes.

Submissions (2):

Labcorp Genetics (formerly Invitae), Labcorp
Classification: Uncertain significance for Gastrointestinal stromal tumor. Last evaluated: 2023-10-27. Review status: criteria provided, single submitter. Criteria: Invitae Variant Classification Sherloc (09022015). Collection method: clinical testing. Allele origin: germline.
Comment: This sequence change replaces glutamic acid, which is acidic and polar, with lysine, which is basic and polar, at codon 750 of the PDGFRA protein (p.Glu750Lys). This variant is not present in population databases (gnomAD no frequency). This variant has not been reported in the literature in individuals affected with PDGFRA-related conditions. ClinVar contains an entry for this variant (Variation ID: 1380494). Advanced modeling of protein sequence and biophysical properties (such as structural, functional, and spatial information, amino acid conservation, physicochemical variation, residue mobility, and thermodynamic stability) performed at Invitae indicates that this missense variant is not expected to disrupt PDGFRA protein function with a negative predictive value of 80%. In summary, the available evidence is currently insufficient to determine the role of this variant in disease. Therefore, it has been classified as a Variant of Uncertain Significance.

Ambry Genetics
Classification: Uncertain significance for Hereditary cancer-predisposing syndrome. Last evaluated: 2023-05-28. Review status: criteria provided, single submitter. Criteria: Ambry Variant Classification Scheme 2023. Collection method: clinical testing. Allele origin: germline.
Comment: The p.E750K variant (also known as c.2248G>A), located in coding exon 15 of the PDGFRA gene, results from a G to A substitution at nucleotide position 2248. The glutamic acid at codon 750 is replaced by lysine, an amino acid with similar properties. This amino acid position is conserved. In addition, this alteration is predicted to be tolerated by in silico analysis. Since supporting evidence is limited at this time, the clinical significance of this alteration remains unclear.

NM_006206.6(PDGFRA):c.2248G>A (p.Glu750Lys)

Gene: PDGFRA (platelet derived growth factor receptor alpha; plus strand). Cytogenetic location: 4q12.
Variant type: single nucleotide variant.
Coding change: c.2248G>A on transcript NM_006206.6 (MANE Select); coding-DNA position 2248, G replaced by A.
Protein change: p.Glu750Lys; replaces glutamic acid 750 with lysine.
Molecular consequence: missense variant.
Genome position (GRCh38, 1-based): chr4:54,280,407, G>A. VCF-style: chr4-54280407-G-A. GRCh37 (hg19) VCF-style: chr4-55146574-G-A.
Other names: c.2248G>A, p.Glu750Lys (NM_001347827.2, NM_001347829.2); c.2323G>A, p.Glu775Lys (NM_001347828.2); c.2287G>A, p.Glu763Lys (NM_001347830.2); c.2248G>A (NM_006206.4); short protein forms E750K, E763K, E775K.
Identifiers: ClinVar variation 1380494 (VCV001380494.8), dbSNP rs2110324335, ClinGen allele CA356894399.